The following is an entry in ClinVar:

ClinVar aggregate classification (germline): Uncertain significance. Review status: criteria provided, single submitter (1 of 4 stars). 2 submissions from 2 submitters: Uncertain significance (1). 1 of the submissions does not count toward it. Last evaluated 2017-10-12.

Conditions:
Leber congenital amaurosis (LCA). Also called: Leber's amaurosis. Identifiers: Orphanet 65, MedGen C0339527, MeSH D057130, MONDO:0018998.

Allele frequency attached by ClinVar (database versions not stated): TOPMed below 0.00001.
gnomAD v4.1: 3 of 1,538,820 alleles (0.00019%); highest among the groups gnomAD compares: South Asian, 0.0027%; no homozygotes.

Submissions (2):

GeneDx
Classification: Uncertain significance. Last evaluated: 2017-10-12. Review status: criteria provided, single submitter. Criteria: GeneDx Variant Classification (06012015). Collection method: clinical testing. Allele origin: germline. Affected: yes.
Comment: The G1327D variant has not been published as a pathogenic variant, nor has it been reported as a benign variant to our knowledge. The G1327D variant is not observed in large population cohorts (Lek et al., 2016). The G1327D variant is a non-conservative amino acid substitution, which is likely to impact secondary protein structure as these residues differ in polarity, charge, size and/or other properties. This substitution occurs at a position that is conserved in mammals, and in silico analysis predicts this variant is probably damaging to the protein structure/function. Based on the currently available information, it is unclear whether this variant is a pathogenic variant or a rare benign variant.

Natera, Inc.
Classification: Uncertain significance for Leber congenital amaurosis. Last evaluated: 2020-08-03. Review status: no assertion criteria provided. Collection method: clinical testing. Allele origin: germline. Not counted in ClinVar's aggregate classification.

NM_025114.4(CEP290):c.3980G>A (p.Gly1327Asp)

Gene: CEP290 (centrosomal protein 290; minus strand). Cytogenetic location: 12q21.32.
Variant type: single nucleotide variant.
Coding change: c.3980G>A on transcript NM_025114.4 (MANE Select); coding-DNA position 3980, G replaced by A.
Protein change: p.Gly1327Asp; replaces glycine 1327 with aspartic acid.
Molecular consequence: missense variant.
Genome position (GRCh38, 1-based): chr12:88,089,081, C>T on the plus strand (G>A on the coding strand, the complement: CEP290 is on the minus strand). VCF-style: chr12-88089081-C-T. GRCh37 (hg19) VCF-style: chr12-88482858-C-T.
Other names: short protein forms G1327D.
Identifiers: ClinVar variation 452440 (VCV000452440.3), dbSNP rs959651787, ClinGen allele CA386000228.